The following is an entry in ClinVar:

ClinVar aggregate classification (germline): Uncertain significance (1 of 4 stars; one submission).

Conditions:
Renal cell carcinoma. Identifiers: Orphanet 217071, MedGen C0007134, MeSH D002292, MONDO:0005086, HP:0005584.

Submission:

Labcorp Genetics (formerly Invitae), Labcorp
Classification: Uncertain significance for Renal cell carcinoma. Last evaluated: 2026-02-01. Review status: criteria provided, single submitter. Criteria: Invitae Variant Classification Sherloc (09022015). Collection method: clinical testing. Allele origin: germline.
Comment: This sequence change replaces leucine, which is neutral and non-polar, with serine, which is neutral and polar, at codon 1223 of the MET protein (p.Leu1223Ser). This variant is not present in population databases (gnomAD no frequency). This variant has not been reported in the literature in individuals affected with MET-related conditions. Invitae Evidence Modeling of protein sequence and biophysical properties (such as structural, functional, and spatial information, amino acid conservation, physicochemical variation, residue mobility, and thermodynamic stability) indicates that this missense variant is expected to disrupt MET protein function with a positive predictive value of 80%. In summary, the available evidence is currently insufficient to determine the role of this variant in disease. Therefore, it has been classified as a Variant of Uncertain Significance.

NM_000245.4(MET):c.3614T>C (p.Leu1205Ser)

Gene: MET (MET proto-oncogene, receptor tyrosine kinase; plus strand). Cytogenetic location: 7q31.2.
Variant type: single nucleotide variant.
Coding change: c.3614T>C on transcript NM_000245.4 (MANE Select); coding-DNA position 3614, T replaced by C.
Protein change: p.Leu1205Ser; replaces leucine 1205 with serine.
Molecular consequence: missense variant.
Genome position (GRCh38, 1-based): chr7:116,782,079, T>C. VCF-style: chr7-116782079-T-C. GRCh37 (hg19) VCF-style: chr7-116422133-T-C.
Other names: c.3668T>C, p.Leu1223Ser (NM_001127500.3); c.2324T>C, p.Leu775Ser (NM_001324402.2); short protein forms L1223S, L775S, L1205S.
Identifiers: ClinVar variation 4731489 (VCV004731489.1).